The following is an entry in ClinVar:

ClinVar aggregate classification (germline): Uncertain significance (1 of 4 stars; one submission).

Conditions:
Aortic aneurysm, familial thoracic 8 (AAT8). Identifiers: MedGen C3809513, MONDO:0014187, OMIM 615436.

Allele frequency attached by ClinVar (database versions not stated): gnomAD exomes below 0.00001; TOPMed below 0.00001; ExAC 0.00001; gnomAD 0.00001.
gnomAD v4.1: 3 of 1,599,360 alleles (0.00019%); highest among the groups gnomAD compares: Non-Finnish European, 0.00017%; no homozygotes.

Submission:

Labcorp Genetics (formerly Invitae), Labcorp
Classification: Uncertain significance for Aortic aneurysm, familial thoracic 8. Last evaluated: 2024-06-16. Review status: criteria provided, single submitter. Criteria: Invitae Variant Classification Sherloc (09022015). Collection method: clinical testing. Allele origin: germline.
Comment: This sequence change falls in intron 15 of the PRKG1 gene. It does not directly change the encoded amino acid sequence of the PRKG1 protein. It affects a nucleotide within the consensus splice site. This variant is present in population databases (rs780715198, gnomAD 0.0009%). This variant has not been reported in the literature in individuals affected with PRKG1-related conditions. ClinVar contains an entry for this variant (Variation ID: 1369120). Variants that disrupt the consensus splice site are a relatively common cause of aberrant splicing (PMID: 17576681, 9536098). Algorithms developed to predict the effect of sequence changes on RNA splicing suggest that this variant is not likely to affect RNA splicing. In summary, the available evidence is currently insufficient to determine the role of this variant in disease. Therefore, it has been classified as a Variant of Uncertain Significance.

Literature cited by the submitters: PubMed 17576681; PubMed 9536098.

NM_006258.4(PRKG1):c.1832+3A>G

Gene: PRKG1 (protein kinase cGMP-dependent 1; plus strand). Cytogenetic location: 10q21.1.
Variant type: single nucleotide variant.
Coding change: c.1832+3A>G on transcript NM_006258.4 (MANE Select); 3 bases into the intron after coding-DNA position 1832, A replaced by G.
Molecular consequence: intron variant.
Genome position (GRCh38, 1-based): chr10:52,288,851, A>G. VCF-style: chr10-52288851-A-G. GRCh37 (hg19) VCF-style: chr10-54048611-A-G.
Other names: c.1787+3A>G (NM_001098512.3); c.623+3A>G (NM_001374781.1).
Identifiers: ClinVar variation 1369120 (VCV001369120.6), dbSNP rs780715198, ClinGen allele CA5503939.